The following is an entry in ClinVar:

ClinVar aggregate classification (germline): Uncertain significance (1 of 4 stars; one submission).

Conditions:
RASopathy. Also called: rasopathies; Noonan spectrum disorder. Identifiers: Orphanet 536391, MedGen C5555857, MONDO:0021060.

Allele frequency attached by ClinVar (database versions not stated): gnomAD exomes below 0.00001.
gnomAD v4.1: 1 of 1,613,964 alleles (0.000062%); highest among the groups gnomAD compares: Non-Finnish European, 0.000085%; no homozygotes.

Submission:

Labcorp Genetics (formerly Invitae), Labcorp
Classification: Uncertain significance for RASopathy. Last evaluated: 2022-07-07. Review status: criteria provided, single submitter. Criteria: Invitae Variant Classification Sherloc (09022015). Collection method: clinical testing. Allele origin: germline.
Comment: This sequence change replaces glycine, which is neutral and non-polar, with alanine, which is neutral and non-polar, at codon 421 of the BRAF protein (p.Gly421Ala). This variant is not present in population databases (gnomAD no frequency). This variant has not been reported in the literature in individuals affected with BRAF-related conditions. Advanced modeling of protein sequence and biophysical properties (such as structural, functional, and spatial information, amino acid conservation, physicochemical variation, residue mobility, and thermodynamic stability) performed at Invitae indicates that this missense variant is not expected to disrupt BRAF protein function. In summary, the available evidence is currently insufficient to determine the role of this variant in disease. Therefore, it has been classified as a Variant of Uncertain Significance.

NM_004333.6(BRAF):c.1262G>C (p.Gly421Ala)

Gene: BRAF (B-Raf proto-oncogene, serine/threonine kinase; minus strand). Cytogenetic location: 7q34.
Variant type: single nucleotide variant.
Coding change: c.1262G>C on transcript NM_004333.6 (MANE Select); coding-DNA position 1262, G replaced by C.
Protein change: p.Gly421Ala; replaces glycine 421 with alanine.
Molecular consequence: missense variant.
Genome position (GRCh38, 1-based): chr7:140,783,073, C>G on the plus strand (G>C on the coding strand, the complement: BRAF is on the minus strand). VCF-style: chr7-140783073-C-G. GRCh37 (hg19) VCF-style: chr7-140482873-C-G.
Other names: c.998G>C, p.Gly333Ala (NM_001378475.1); c.1262G>C, p.Gly421Ala (NM_001354609.2, NM_001378468.1, NM_001378474.1); c.1382G>C, p.Gly461Ala (NM_001374244.1, NM_001374258.1); c.1271G>C, p.Gly424Ala (NM_001378467.1); c.1196G>C, p.Gly399Ala (NM_001378469.1); c.1160G>C, p.Gly387Ala (NM_001378470.1); c.1151G>C, p.Gly384Ala (NM_001378471.1); c.1106G>C, p.Gly369Ala (NM_001378472.1, NM_001378473.1); short protein forms G333A, G369A, G424A, G387A, G399A, G461A, G384A, G421A.
Identifiers: ClinVar variation 1998110 (VCV001998110.4), dbSNP rs2129026316, ClinGen allele CA369589396.